The following is an entry in ClinVar:

NM_001244008.2(KIF1A):c.1279T>A (p.Ser427Thr)

Gene: KIF1A (kinesin family member 1A; minus strand). Cytogenetic location: 2q37.3.
Variant type: single nucleotide variant.
Coding change: c.1279T>A on transcript NM_001244008.2 (MANE Select); coding-DNA position 1279, T replaced by A.
Protein change: p.Ser427Thr; replaces serine 427 with threonine.
Molecular consequence: missense variant.
Genome position (GRCh38, 1-based): chr2:240,771,033, A>T on the plus strand (T>A on the coding strand, the complement: KIF1A is on the minus strand). VCF-style: chr2-240771033-A-T. GRCh37 (hg19) VCF-style: chr2-241710450-A-T.
Other names: c.1279T>A, p.Ser427Thr (NM_001320705.2, NM_001330289.2, NM_001379638.1); c.1354T>A, p.Ser452Thr (NM_001330290.2, NM_001379631.1, NM_001379634.1 and 2 more transcripts); c.1252T>A, p.Ser418Thr (NM_001379632.1, NM_001379633.1, NM_001379636.1 and 11 more transcripts); c.1327T>A, p.Ser443Thr (NM_001379637.1, NM_001379648.1); short protein forms S452T, S418T, S427T, S443T.
Identifiers: ClinVar variation 2953348 (VCV002953348.3), dbSNP rs2537865603, ClinGen allele CA351330534.
Genomic context (GRCh38, chr2:240,771,033, plus strand): 5'-TCAGTCTTTCAATGGCCTCCTCGCTGCCCGGGGCAAACAAGATGCGCTCGTGGAGGCTGG[A>T]CACGGAGGCCGCGCGGCTGGACAGGGCTGAGAGCGAGGATGAGGGGCTCATACCCACCAG-3'
Protein context (NP_001230937.1, residues 417-437): SALSSRAASV[Ser427Thr]SLHERILFAP

ClinVar aggregate classification (germline): Uncertain significance (1 of 4 stars; one submission).

Conditions:
Neuropathy, hereditary sensory, type 2C. Also called: KIF1A-Related HSAN2 (HSAN2C); Hereditary sensory and autonomic neuropathy type IIC. Identifiers: Orphanet 970, MedGen C3280168, MONDO:0013634, OMIM 614213.
Hereditary spastic paraplegia 30. Identifiers: Orphanet 101010, MedGen C5235139, MONDO:0012476.
Intellectual disability, autosomal dominant 9 (NESCAVS). Also called: NESCAV SYNDROME; KIF1A-Related Neurodevelopmental Disorder. Identifiers: Orphanet 662367, MedGen C5393830, MONDO:0013656, OMIM 614255.

Submission:

Labcorp Genetics (formerly Invitae), Labcorp
Classification: Uncertain significance for Hereditary spastic paraplegia 30; Neuropathy, hereditary sensory, type 2C; Intellectual disability, autosomal dominant 9. Last evaluated: 2023-10-28. Review status: criteria provided, single submitter. Criteria: Invitae Variant Classification Sherloc (09022015). Collection method: clinical testing. Allele origin: germline.
Comment: This sequence change replaces serine, which is neutral and polar, with threonine, which is neutral and polar, at codon 418 of the KIF1A protein (p.Ser418Thr). This variant is not present in population databases (gnomAD no frequency). This variant has not been reported in the literature in individuals affected with KIF1A-related conditions. Advanced modeling of protein sequence and biophysical properties (such as structural, functional, and spatial information, amino acid conservation, physicochemical variation, residue mobility, and thermodynamic stability) performed at Invitae indicates that this missense variant is expected to disrupt KIF1A protein function with a positive predictive value of 95%. In summary, the available evidence is currently insufficient to determine the role of this variant in disease. Therefore, it has been classified as a Variant of Uncertain Significance.